The following is an entry in ClinVar:

NM_015662.3(IFT172):c.2232C>T (p.Tyr744=)

Gene: IFT172 (intraflagellar transport 172; minus strand). Cytogenetic location: 2p23.3.
Variant type: single nucleotide variant.
Coding change: c.2232C>T on transcript NM_015662.3 (MANE Select); coding-DNA position 2232, C replaced by T.
Protein change: p.Tyr744=; no amino-acid change (tyrosine 744 retained).
Molecular consequence: synonymous variant.
Genome position (GRCh38, 1-based): chr2:27,461,479, G>A on the plus strand (C>T on the coding strand, the complement: IFT172 is on the minus strand). VCF-style: chr2-27461479-G-A. GRCh37 (hg19) VCF-style: chr2-27684346-G-A.
Other names: c.2166C>T, p.Tyr722= (NM_001410739.1); c.2232C>T (NM_015662.2).
Identifiers: ClinVar variation 2194873 (VCV002194873.6), dbSNP rs893514362, ClinGen allele CA44498176.

ClinVar aggregate classification (germline): Likely benign. Review status: criteria provided, multiple submitters, no conflicts (2 of 4 stars). 3 submissions from 3 submitters: Likely benign (3). Last evaluated 2025-01-07.

Conditions:
IFT172-related disorder. Also called: IFT172-related disorders; IFT172-related condition.
Retinitis pigmentosa 71 (RP71). Identifiers: Orphanet 791, MedGen C4225342, MONDO:0014618, OMIM 616394.
Short-rib thoracic dysplasia 10 with or without polydactyly (SRTD10). Identifiers: Orphanet 474, MedGen C3810175, MONDO:0014284, OMIM 615630.

Allele frequency attached by ClinVar (database versions not stated): TOPMed below 0.00001; gnomAD exomes 0.00001.
gnomAD v4.1: 10 of 1,614,086 alleles (0.00062%); highest among the groups gnomAD compares: Non-Finnish European, 0.00085%; no homozygotes.

Submissions (3):

PreventionGenetics, part of Exact Sciences
Classification: Likely benign for IFT172-related condition. Last evaluated: 2025-01-07. Review status: criteria provided, single submitter. Criteria: ACMG Guidelines, 2015. Collection method: clinical testing. Allele origin: germline.
Comment: This variant is classified as likely benign based on ACMG/AMP sequence variant interpretation guidelines (Richards et al. 2015 PMID: 25741868, with internal and published modifications).

Labcorp Genetics (formerly Invitae), Labcorp
Classification: Likely benign for Retinitis pigmentosa 71; Short-rib thoracic dysplasia 10 with or without polydactyly. Last evaluated: 2024-05-23. Review status: criteria provided, single submitter. Criteria: Invitae Variant Classification Sherloc (09022015). Collection method: clinical testing. Allele origin: germline.

Blueprint Genetics
Classification: Likely benign. Last evaluated: 2023-02-17. Review status: criteria provided, single submitter. Criteria: ACMG Guidelines, 2015. Collection method: clinical testing. Allele origin: germline.